The following is an entry in ClinVar:

NM_012088.3(PGLS):c.629C>T (p.Ala210Val)

Gene: PGLS (6-phosphogluconolactonase; plus strand). Cytogenetic location: 19p13.11.
Variant type: single nucleotide variant.
Coding change: c.629C>T on transcript NM_012088.3 (MANE Select); coding-DNA position 629, C replaced by T.
Protein change: p.Ala210Val; replaces alanine 210 with valine.
Molecular consequence: missense variant.
Genome position (GRCh38, 1-based): chr19:17,517,840, C>T. VCF-style: chr19-17517840-C-T. GRCh37 (hg19) VCF-style: chr19-17628649-C-T.
Other names: p.Ala210Val; c.629C>T (NM_012088.2); short protein forms A210V.
Identifiers: ClinVar variation 4542333 (VCV004542333.1).

ClinVar aggregate classification (germline): Uncertain significance. Review status: criteria provided, multiple submitters, no conflicts (2 of 4 stars). 2 submissions from 2 submitters: Uncertain significance (2). Last evaluated 2025-10-15.

Submissions (2):

Ambry Genetics
Classification: Uncertain significance. Last evaluated: 2025-10-15. Review status: criteria provided, single submitter. Criteria: Ambry Variant Classification Scheme 2023. Collection method: clinical testing. Allele origin: germline.

Mayo Clinic Laboratories, Mayo Clinic
Classification: Uncertain significance. Last evaluated: 2025-06-03. Review status: criteria provided, single submitter. Criteria: ACMG Guidelines, 2015. Collection method: clinical testing. Allele origin: germline. Observed: 1 variant allele.
Comment: BP4, PM2_supporting